The following is an entry in ClinVar:

ClinVar aggregate classification (germline): Uncertain significance. Review status: criteria provided, multiple submitters, no conflicts (2 of 4 stars). 4 submissions from 4 submitters: Uncertain significance (3). 1 of the submissions does not count toward it. Last evaluated 2026-04-28.

Conditions:
Aortic aneurysm, familial thoracic 10 (AAT10). Identifiers: MedGen C4284414, MONDO:0014950, OMIM 617168.
Cardiovascular phenotype. Identifiers: MedGen CN230736.

gnomAD v4.1: 6 of 1,613,978 alleles (0.00037%); highest among the groups gnomAD compares: Non-Finnish European, 0.00051%; no homozygotes.

Submissions (4):

Ambry Genetics
Classification: Uncertain significance for Cardiovascular phenotype. Last evaluated: 2026-04-28. Review status: criteria provided, single submitter. Criteria: Ambry Variant Classification Scheme 2023. Collection method: clinical testing. Allele origin: germline.
Comment: The p.S247R variant (also known as c.739A>C), located in coding exon 2 of the LOX gene, results from an A to C substitution at nucleotide position 739. The serine at codon 247 is replaced by arginine, an amino acid with dissimilar properties. This variant was reported in individual(s) with features consistent with Ehlers-Danlos syndrome (Wilson GN et al. Curr Issues Mol Biol, 2024 Mar;46:2620-2643). This amino acid position is highly conserved in available vertebrate species. In addition, the in silico prediction for this alteration is inconclusive. Based on the available evidence, the clinical significance of this variant remains unclear.

Labcorp Genetics (formerly Invitae), Labcorp
Classification: Uncertain significance. Last evaluated: 2025-12-01. Review status: criteria provided, single submitter. Criteria: Invitae Variant Classification Sherloc (09022015). Collection method: clinical testing. Allele origin: germline.
Comment: This sequence change replaces serine, which is neutral and polar, with arginine, which is basic and polar, at codon 247 of the LOX protein (p.Ser247Arg). This variant is not present in population databases (gnomAD no frequency). This missense change has been observed in individual(s) with clinical features of thoracic aortic aneurysm and aortic dissection (PMID: 29961567). ClinVar contains an entry for this variant (Variation ID: 1516318). Invitae Evidence Modeling of protein sequence and biophysical properties (such as structural, functional, and spatial information, amino acid conservation, physicochemical variation, residue mobility, and thermodynamic stability) indicates that this missense variant is not expected to disrupt LOX protein function with a negative predictive value of 95%. Experimental studies are conflicting or provide insufficient evidence to determine the effect of this variant on LOX function (PMID: 29961567). In summary, the available evidence is currently insufficient to determine the role of this variant in disease. Therefore, it has been classified as a Variant of Uncertain Significance.

GeneDx
Classification: Uncertain significance. Last evaluated: 2025-07-19. Review status: criteria provided, single submitter. Criteria: GeneDx Variant Classification Process June 2021. Collection method: clinical testing. Allele origin: germline. Affected: yes.
Comment: Identified in a cohort of patients with acute aortic dissections in published literature (PMID: 29961567); Not observed at significant frequency in large population cohorts (gnomAD); Functional study of p.(S247R) demonstrated a slight reduction in enzyme activity; however, it is unclear how this finding may translate to in vivo conditions (PMID: 29961567); In silico analysis supports that this missense variant has a deleterious effect on protein structure/function; This variant is associated with the following publications: (PMID: 29961567)

Undiagnosed Diseases Network, NIH
Classification: Uncertain significance for Aortic aneurysm, familial thoracic 10. Last evaluated: 2023-09-06. Review status: no assertion criteria provided. Collection method: clinical testing. Allele origin: maternal. Affected: yes. Observed: 1 variant allele, 1 heterozygote. Study: Undiagnosed Diseases Network (NIH), UDN. Not counted in ClinVar's aggregate classification.

Literature cited by the submitters: PubMed 38534782 (cited by Ambry Genetics); PubMed 29961567 (cited by Labcorp Genetics (formerly Invitae), Labcorp and Undiagnosed Diseases Network, NIH).

NM_002317.7(LOX):c.739A>C (p.Ser247Arg)

Genes: LOX (lysyl oxidase; minus strand), SRFBP1 (serum response factor binding protein 1; plus strand). Cytogenetic location: 5q23.1.
Variant type: single nucleotide variant.
Coding change: c.739A>C on transcript NM_002317.7 (MANE Select); coding-DNA position 739, A replaced by C.
Protein change: p.Ser247Arg; replaces serine 247 with arginine.
Molecular consequence: missense variant. On other transcripts: intron variant (1).
Genome position (GRCh38, 1-based): chr5:122,076,894, T>G on the plus strand (A>C on the coding strand, the complement: LOX is on the minus strand). VCF-style: chr5-122076894-T-G. GRCh37 (hg19) VCF-style: chr5-121412589-T-G.
Other names: p.Ser247Arg; c.739A>C (NM_002317.5, NM_002317.6); c.49A>C, p.Ser17Arg (NM_001178102.2); c.-152+198A>C (NM_001317073.1); short protein forms S17R, S247R.
Identifiers: ClinVar variation 1516318 (VCV001516318.15), dbSNP rs2152590924, ClinGen allele CA360874768.